The following is an entry in ClinVar:

NM_000492.4(CFTR):c.281C>T (p.Thr94Ile)

Gene: CFTR (CF transmembrane conductance regulator; plus strand). Cytogenetic location: 7q31.2.
Variant type: single nucleotide variant.
Coding change: c.281C>T on transcript NM_000492.4 (MANE Select); coding-DNA position 281, C replaced by T.
Protein change: p.Thr94Ile; replaces threonine 94 with isoleucine.
Molecular consequence: missense variant.
Genome position (GRCh38, 1-based): chr7:117,530,906, C>T. VCF-style: chr7-117530906-C-T. GRCh37 (hg19) VCF-style: chr7-117170960-C-T.
Other names: p.Thr94Ile; short protein forms T94I.
Identifiers: ClinVar variation 1693959 (VCV001693959.9), dbSNP rs767204327, ClinGen allele CA4450700.

ClinVar aggregate classification (germline): Uncertain significance. Review status: criteria provided, multiple submitters, no conflicts (2 of 4 stars). 4 submissions from 4 submitters: Uncertain significance (4). Last evaluated 2022-06-27.

Conditions:
Cystic fibrosis (CF). Also called: MUCOVISCIDOSIS. Identifiers: Orphanet 586, MedGen C0010674, MONDO:0009061, OMIM 219700. Disease mechanism: loss of function.
Congenital bilateral aplasia of vas deferens from CFTR mutation (CBAVD). Identifiers: Orphanet 48, MedGen C0403814, MONDO:0010178, OMIM 277180. Disease mechanism: loss of function.

Allele frequency attached by ClinVar (database versions not stated): gnomAD 0.00001; gnomAD exomes 0.00001; TOPMed 0.00001; ExAC 0.00002.
gnomAD v4.1: 15 of 1,609,840 alleles (0.00093%); highest among the groups gnomAD compares: Non-Finnish European, 0.0012%; no homozygotes.

Submissions (4):

Ambry Genetics
Classification: Uncertain significance for Cystic fibrosis. Last evaluated: 2022-06-27. Review status: criteria provided, single submitter. Criteria: Ambry Variant Classification Scheme 2023. Collection method: clinical testing. Allele origin: germline.
Comment: The p.T94I variant (also known as c.281C>T), located in coding exon 4 of the CFTR gene, results from a C to T substitution at nucleotide position 281. The threonine at codon 94 is replaced by isoleucine, an amino acid with similar properties. This amino acid position is highly conserved in available vertebrate species. In addition, this alteration is predicted to be deleterious by in silico analysis. Since supporting evidence is limited at this time, the clinical significance of this alteration remains unclear.

Blueprint Genetics
Classification: Uncertain significance. Last evaluated: 2021-09-14. Review status: criteria provided, single submitter. Criteria: ACMG Guidelines, 2015. Collection method: clinical testing. Allele origin: germline.

Mayo Clinic Laboratories, Mayo Clinic
Classification: Uncertain significance. Last evaluated: 2021-06-07. Review status: criteria provided, single submitter. Criteria: ACMG Guidelines, 2015. Collection method: clinical testing. Allele origin: germline.

Juno Genomics, Hangzhou Juno Genomics, Inc
Classification: Uncertain significance for Congenital bilateral aplasia of vas deferens from CFTR mutation; Cystic fibrosis. Review status: criteria provided, single submitter. Criteria: ACMG Guidelines, 2015. Collection method: clinical testing. Allele origin: germline.
Comment: Absent from controls (or at extremely low frequency if recessive) in Genome Aggregation Database.;Multiple lines of computational evidence support a deleterious effect on the gene or gene product.